The following is an entry in ClinVar:

NM_005502.4(ABCA1):c.5492C>T (p.Ala1831Val)

Gene: ABCA1 (ATP binding cassette subfamily A member 1; minus strand). Cytogenetic location: 9q31.1.
Variant type: single nucleotide variant.
Coding change: c.5492C>T on transcript NM_005502.4 (MANE Select); coding-DNA position 5492, C replaced by T.
Protein change: p.Ala1831Val; replaces alanine 1831 with valine.
Molecular consequence: missense variant.
Genome position (GRCh38, 1-based): chr9:104,794,401, G>A on the plus strand (C>T on the coding strand, the complement: ABCA1 is on the minus strand). VCF-style: chr9-104794401-G-A. GRCh37 (hg19) VCF-style: chr9-107556682-G-A.
Other names: short protein forms A1831V.
Identifiers: ClinVar variation 1329701 (VCV001329701.13), dbSNP rs753324965, ClinGen allele CA5167822.
Genomic context (GRCh38, chr9:104,794,401, plus strand): 5'-GAGTGCCATCTCCATTAAAGCATCCTACAGCCACTGCTTCACTCACCAAACCTTTCCAGG[G>A]CATCAGCCATTGCCTGGTTTTTCACCATGTCGATGAGCCCTCGTCCCAGGCAAAAATGTG-3'
Protein context (NP_005493.2, residues 1821-1841): DMVKNQAMAD[Ala1831Val]LERFGENRFV

ClinVar aggregate classification (germline): Conflicting classifications of pathogenicity. Review status: criteria provided, conflicting classifications (1 of 4 stars). 4 submissions from 4 submitters: Uncertain significance (2); Benign (1); Likely benign (1). Last evaluated 2025-07-29.

Conditions:
Cardiovascular phenotype. Identifiers: MedGen CN230736.
Hypoalphalipoproteinemia, primary, 1. Identifiers: Orphanet 425, MedGen C5231558, MONDO:0011393, OMIM 604091.
Tangier disease (TGD). Also called: HIGH DENSITY LIPOPROTEIN DEFICIENCY, TYPE 1; HIGH DENSITY LIPOPROTEIN DEFICIENCY, TANGIER TYPE; Cholesterol thesaurismosis. Identifiers: Orphanet 31150, MedGen C0039292, MONDO:0008783, OMIM 205400.

Allele frequency attached by ClinVar (database versions not stated): gnomAD exomes 0.00003 and 0.00019; gnomAD 0.00006 and 0.00007; TOPMed 0.00006; ExAC 0.00012.
gnomAD v4.1: 60 of 1,613,818 alleles (0.0037%); highest among the groups gnomAD compares: East Asian, 0.12%; no homozygotes.

Submissions (4):

Labcorp Genetics (formerly Invitae), Labcorp
Classification: Benign. Last evaluated: 2025-07-29. Review status: criteria provided, single submitter. Criteria: Invitae Variant Classification Sherloc (09022015). Collection method: clinical testing. Allele origin: germline.

Ambry Genetics
Classification: Likely benign for Cardiovascular phenotype. Last evaluated: 2024-06-04. Review status: criteria provided, single submitter. Criteria: Ambry Variant Classification Scheme 2023. Collection method: clinical testing. Allele origin: germline.

GeneDx
Classification: Uncertain significance. Last evaluated: 2021-12-27. Review status: criteria provided, single submitter. Criteria: GeneDx Variant Classification Process June 2021. Collection method: clinical testing. Allele origin: germline. Affected: yes.
Comment: Has not been previously published as pathogenic or benign to our knowledge; In silico analysis supports that this missense variant does not alter protein structure/function

New York Genome Center
Classification: Uncertain significance for Hypoalphalipoproteinemia, primary, 1; Tangier disease. Last evaluated: 2021-10-19. Review status: criteria provided, single submitter. Criteria: NYGC Assertion Criteria 2020. Collection method: clinical testing. Allele origin: germline. Observed: 1 heterozygote.